The following is an entry in ClinVar:

ClinVar aggregate classification (germline): Uncertain significance (1 of 4 stars; one submission).

Conditions:
KMT2D-related disorder. Also called: KMT2D-Related Disorders.

gnomAD v4.1: 3 of 1,614,074 alleles (0.00019%); highest among the groups gnomAD compares: East Asian, 0.0022%; no homozygotes.

Submission:

PreventionGenetics, part of Exact Sciences
Classification: Uncertain significance for KMT2D-related condition. Last evaluated: 2026-09-23. Review status: criteria provided, single submitter. Criteria: ACMG Guidelines, 2015. Collection method: clinical testing. Allele origin: germline.
Comment: The KMT2D c.5285G>A variant is predicted to result in the amino acid substitution p.Ser1762Asn. To our knowledge, this variant has not been reported in the literature. This variant is reported in 0.0056% of alleles in individuals of East Asian descent in gnomAD. At this time, the clinical significance of this variant is uncertain due to the absence of conclusive functional and genetic evidence.

NM_003482.4(KMT2D):c.5285G>A (p.Ser1762Asn)

Gene: KMT2D (lysine methyltransferase 2D; minus strand). Cytogenetic location: 12q13.12.
Variant type: single nucleotide variant.
Coding change: c.5285G>A on transcript NM_003482.4 (MANE Select); coding-DNA position 5285, G replaced by A.
Protein change: p.Ser1762Asn; replaces serine 1762 with asparagine.
Molecular consequence: missense variant.
Genome position (GRCh38, 1-based): chr12:49,043,902, C>T on the plus strand (G>A on the coding strand, the complement: KMT2D is on the minus strand). VCF-style: chr12-49043902-C-T. GRCh37 (hg19) VCF-style: chr12-49437685-C-T.
Other names: short protein forms S1762N.
Identifiers: ClinVar variation 4987060 (VCV004987060.1).